The following is an entry in ClinVar:

ClinVar aggregate classification (germline): Uncertain significance (1 of 4 stars; one submission).

Conditions:
Alpha-N-acetylgalactosaminidase deficiency type 1. Also called: SCHINDLER DISEASE, TYPE I; NAGA DEFICIENCY, TYPE I; NEUROAXONAL DYSTROPHY, SCHINDLER TYPE; ALPHA-N-ACETYLGALACTOSAMINIDASE DEFICIENCY, TYPE I. Identifiers: Orphanet 3137, Orphanet 79279, Orphanet 79281, MedGen C1836544, MONDO:0012221, OMIM 609241.

Allele frequency attached by ClinVar (database versions not stated): ExAC 0.00002; gnomAD 0.00002; gnomAD exomes 0.00005; 1000 Genomes Project 0.00040; 1000 Genomes Project 30x 0.00047.
gnomAD v4.1: 68 of 1,612,756 alleles (0.0042%); highest among the groups gnomAD compares: Non-Finnish European, 0.0057%; no homozygotes.

Submission:

Labcorp Genetics (formerly Invitae), Labcorp
Classification: Uncertain significance for Alpha-N-acetylgalactosaminidase deficiency type 1. Last evaluated: 2022-06-13. Review status: criteria provided, single submitter. Criteria: Invitae Variant Classification Sherloc (09022015). Collection method: clinical testing. Allele origin: germline.
Comment: In summary, the available evidence is currently insufficient to determine the role of this variant in disease. Therefore, it has been classified as a Variant of Uncertain Significance. Algorithms developed to predict the effect of missense changes on protein structure and function are either unavailable or do not agree on the potential impact of this missense change (SIFT: "Deleterious"; PolyPhen-2: "Probably Damaging"; Align-GVGD: "Class C0"). This variant has not been reported in the literature in individuals affected with NAGA-related conditions. This variant is present in population databases (rs557714930, gnomAD 0.003%). This sequence change replaces proline, which is neutral and non-polar, with alanine, which is neutral and non-polar, at codon 99 of the NAGA protein (p.Pro99Ala).

NM_000262.3(NAGA):c.295C>G (p.Pro99Ala)

Genes: NAGA (alpha-N-acetylgalactosaminidase; minus strand), LOC126863160 (CDK7 strongly-dependent group 2 enhancer GRCh37_chr22:42462918-42464117; plus strand). Cytogenetic location: 22q13.2.
Variant type: single nucleotide variant.
Coding change: c.295C>G on transcript NM_000262.3 (MANE Select); coding-DNA position 295, C replaced by G.
Protein change: p.Pro99Ala; replaces proline 99 with alanine.
Molecular consequence: missense variant.
Genome position (GRCh38, 1-based): chr22:42,067,794, G>C on the plus strand (C>G on the coding strand, the complement: NAGA is on the minus strand). VCF-style: chr22-42067794-G-C. GRCh37 (hg19) VCF-style: chr22-42463798-G-C.
Other names: c.295C>G, p.Pro99Ala (NM_001362848.1, NM_001362850.1); short protein forms P99A.
Identifiers: ClinVar variation 1992275 (VCV001992275.3), dbSNP rs557714930, ClinGen allele CA10263881.
Genomic context (GRCh38, chr22:42,067,794, plus strand): 5'-AGGCCAAGGGCAGGGCTGGGGTGCGGCTCACGTAGTCAGCCAGGAAAGGAATGCCATGAG[G>C]GAAGCGCTTGGGATCCGGCATCAGGCGGCCACTGGCATCGCGACCACCGATCCAGCAGTC-3'
Protein context (NP_000253.1, residues 89-109): GRLMPDPKRF[Pro99Ala]HGIPFLADYV